The following is an entry in ClinVar:

NM_001876.4(CPT1A):c.251T>C (p.Ile84Thr)

Gene: CPT1A (carnitine palmitoyltransferase 1A; minus strand). Cytogenetic location: 11q13.3.
Variant type: single nucleotide variant.
Coding change: c.251T>C on transcript NM_001876.4 (MANE Select); coding-DNA position 251, T replaced by C.
Protein change: p.Ile84Thr; replaces isoleucine 84 with threonine.
Molecular consequence: missense variant.
Genome position (GRCh38, 1-based): chr11:68,812,467, A>G on the plus strand (T>C on the coding strand, the complement: CPT1A is on the minus strand). VCF-style: chr11-68812467-A-G. GRCh37 (hg19) VCF-style: chr11-68579935-A-G.
Other names: c.251T>C, p.Ile84Thr (NM_001031847.3); short protein forms I84T.
Identifiers: ClinVar variation 2104292 (VCV002104292.1), dbSNP rs1856240911, ClinGen allele CA381637863.

ClinVar aggregate classification (germline): Uncertain significance (1 of 4 stars; one submission).

Conditions:
Carnitine palmitoyl transferase 1A deficiency. Also called: CPT I DEFICIENCY; CPT DEFICIENCY, HEPATIC, TYPE I; Carnitine palmitoyltransferase type I deficiency; CPT deficiency, hepatic, type IA; Carnitine palmitoyltransferase 1A deficiency. Identifiers: Orphanet 156, MedGen C1829703, MONDO:0009705, OMIM 255120.

Allele frequency attached by ClinVar (database versions not stated): TOPMed below 0.00001; gnomAD 0.00001.
gnomAD v4.1: 1 of 1,614,034 alleles (0.000062%); highest among the groups gnomAD compares: African/African-American, 0.0013%; no homozygotes.

Submission:

Labcorp Genetics (formerly Invitae), Labcorp
Classification: Uncertain significance for Carnitine palmitoyl transferase 1A deficiency. Last evaluated: 2022-02-28. Review status: criteria provided, single submitter. Criteria: Invitae Variant Classification Sherloc (09022015). Collection method: clinical testing. Allele origin: germline.
Comment: This sequence change replaces isoleucine, which is neutral and non-polar, with threonine, which is neutral and polar, at codon 84 of the CPT1A protein (p.Ile84Thr). This variant is not present in population databases (gnomAD no frequency). This variant has not been reported in the literature in individuals affected with CPT1A-related conditions. Algorithms developed to predict the effect of missense changes on protein structure and function (SIFT, PolyPhen-2, Align-GVGD) all suggest that this variant is likely to be tolerated. In summary, the available evidence is currently insufficient to determine the role of this variant in disease. Therefore, it has been classified as a Variant of Uncertain Significance.